The following is an entry in ClinVar:

NM_014608.6(CYFIP1):c.3162C>T (p.Tyr1054=)

Gene: CYFIP1 (cytoplasmic FMR1 interacting protein 1; minus strand). Cytogenetic location: 15q11.2.
Variant type: single nucleotide variant.
Coding change: c.3162C>T on transcript NM_014608.6 (MANE Select); coding-DNA position 3162, C replaced by T.
Protein change: p.Tyr1054=; no amino-acid change (tyrosine 1054 retained).
Molecular consequence: synonymous variant.
Genome position (GRCh38, 1-based): chr15:22,874,598, G>A on the plus strand (C>T on the coding strand, the complement: CYFIP1 is on the minus strand). VCF-style: chr15-22874598-G-A. GRCh37 (hg19) VCF-style: chr15-22998470-C-T.
Other names: c.1869C>T, p.Tyr623= (NM_001033028.3); c.3162C>T, p.Tyr1054= (NM_001287810.4, NM_001324120.2, NM_001324123.3); c.3264C>T, p.Tyr1088= (NM_001324119.2); c.1482C>T, p.Tyr494= (NM_001324122.3); c.3072C>T, p.Tyr1024= (NM_001324124.3); c.2796C>T, p.Tyr932= (NM_001324125.3); c.3060C>T, p.Tyr1020= (NM_001324126.3).
Identifiers: ClinVar variation 783051 (VCV000783051.29), dbSNP rs146791821, ClinGen allele CA7425413.

ClinVar aggregate classification (germline): Benign/Likely benign. Review status: criteria provided, multiple submitters, no conflicts (2 of 4 stars). 3 submissions from 3 submitters: Benign (2); Likely benign (1). Last evaluated 2023-01-01.

Allele frequency attached by ClinVar (database versions not stated): 1000 Genomes Project 30x 0.00172; 1000 Genomes Project 0.00180; TOPMed 0.00467; gnomAD exomes 0.00531 and 0.00865; gnomAD 0.00534 and 0.00546; ExAC 0.00568; ESP Exome Variant Server 0.00730.
gnomAD v4.1: 13,303 of 1,606,456 alleles (0.83%); highest among the groups gnomAD compares: Non-Finnish European, 1%; 98 homozygotes.

Submissions (3):

CeGaT Center for Human Genetics Tuebingen
Classification: Likely benign. Last evaluated: 2023-01-01. Review status: criteria provided, single submitter. Criteria: CeGaT Center For Human Genetics Tuebingen Variant Classification Criteria Version 2. Collection method: clinical testing. Allele origin: germline. Affected: yes. Observed: 1 variant allele.
Comment: CYFIP1: BP4, BP7, BS2

Labcorp Genetics (formerly Invitae), Labcorp
Classification: Benign. Last evaluated: 2019-12-31. Review status: criteria provided, single submitter. Criteria: Invitae Variant Classification Sherloc (09022015). Collection method: clinical testing. Allele origin: germline.

Breakthrough Genomics
Classification: Benign. Review status: criteria provided, single submitter. Criteria: ACMG Guidelines, 2015. Collection method: not provided. Allele origin: germline. Inheritance: Unknown mechanism. Affected: yes.